The following is an entry in ClinVar:

NM_001083962.2(TCF4):c.1733G>A (p.Arg578His)

Gene: TCF4 (transcription factor 4; minus strand). Cytogenetic location: 18q21.2.
Variant type: single nucleotide variant.
Coding change: c.1733G>A on transcript NM_001083962.2 (MANE Select); coding-DNA position 1733, G replaced by A.
Protein change: p.Arg578His; replaces arginine 578 with histidine.
Molecular consequence: missense variant.
Genome position (GRCh38, 1-based): chr18:55,228,993, C>T on the plus strand (G>A on the coding strand, the complement: TCF4 is on the minus strand). VCF-style: chr18-55228993-C-T. GRCh37 (hg19) VCF-style: chr18-52896224-C-T.
Other names: p.R578H:CGT>CAT; c.2039G>A, p.Arg680His (NM_001243226.3); c.1661G>A, p.Arg554His (NM_001243227.2, NM_001348217.1, NM_001348218.2 and 1 more transcripts); c.1751G>A, p.Arg584His (NM_001243228.2); c.1712G>A, p.Arg571His (NM_001243230.2); c.1595G>A, p.Arg532His (NM_001243231.2); c.1520G>A, p.Arg507His (NM_001243232.1); c.1331G>A, p.Arg444His (NM_001243233.2, NM_001348212.2); and 16 more; short protein forms R578H, R680H, R413H, R448H, R503H, R536H, R574H, R554H.
Identifiers: ClinVar variation 93542 (VCV000093542.26), dbSNP rs121909123, ClinGen allele CA266820.

ClinVar aggregate classification (germline): Pathogenic. Review status: reviewed by expert panel (3 of 4 stars). 11 submissions from 11 submitters: Pathogenic (1). 10 of the submissions do not count toward it. Last evaluated 2021-03-26.

Conditions:
TCF4-related disorder. Also called: TCF4-related condition.
Inborn genetic diseases. Identifiers: MedGen C0950123, MeSH D030342.
Pitt-Hopkins syndrome (PTHS). Also called: MENTAL RETARDATION, SYNDROMAL, WITH INTERMITTENT HYPERVENTILATION; ENCEPHALOPATHY, SEVERE EPILEPTIC, WITH AUTONOMIC DYSFUNCTION. Identifiers: Orphanet 2896, MedGen C1970431, MONDO:0012589, OMIM 610954.
Corneal dystrophy, Fuchs endothelial, 3 (FECD3). Also called: FCD2 LOCUS. Identifiers: Orphanet 98974, MedGen C2750451, MONDO:0013203, OMIM 613267.
Microcephaly. Also called: Microcephaly (disease). Identifiers: MedGen C4551563, MONDO:0001149, HP:0000252.

Submissions (11):

ClinGen Rett and Angelman-like Disorders Variant Curation Expert Panel
Classification: Pathogenic for Pitt-Hopkins syndrome. Last evaluated: 2021-03-26. Review status: reviewed by expert panel. Criteria: ClinGen RettAS ACMG Specifications V1. Collection method: curation. Allele origin: germline. Inheritance: Autosomal dominant inheritance.
Comment: The p.Arg578His variant in TCF4 has been reported in an individual with a clinical phenotype suggestive of Pitt-Hopkins syndrome (PMID 18728071) (PP4). This variant appears to be de novo in this patient and has been reported in the de novo state (biological parentage unconfirmed) in at least two additional patients with Pitt-Hopkins syndrome (PMID 21671391) (PM6_strong, PS4_moderate). In vitro binding assays have shown that this variant impacts impacts protein function (PMID 22460224) (PS3_supporting). This variant is located in the basic Helix-Loop-Helix domain (bHLH) (PMID 17436254, 22045651) (PM1). Computational prediction analysis tools suggests a deleterious impact; however, this information does not predict clinical significance on its own (PP3). The p.Arg578His variant in TCF4 is absent from gnomAD (PM2_supporting). In summary, the Arg578His variant in TCF4 is classified as Pathogenic for Pitt-Hopkins syndrome based on the ACMG/AMP criteria (PM6_strong, PS4_moderate, PM1, PM2_supporting, PP3, PP4).

Ambry Genetics
Classification: Likely pathogenic for Inborn genetic diseases. Last evaluated: 2022-09-12. Review status: criteria provided, single submitter. Criteria: Ambry Variant Classification Scheme 2023. Collection method: clinical testing. Allele origin: germline. Not counted in ClinVar's aggregate classification.
Comment: The c.1733G>A (p.R578H) alteration is located in exon 18 (coding exon 17) of the TCF4 gene. This alteration results from a G to A substitution at nucleotide position 1733, causing the arginine (R) at amino acid position 578 to be replaced by a histidine (H). Based on data from the Genome Aggregation Database (gnomAD), the TCF4 c.1733G>A alteration was not observed, with coverage at this position. This variant has been identified in several individuals with clinical features of Pitt-Hopkins syndrome (Zweier, 2008; Marangi, 2011; Whalen, 2012; Mary, 2018; Lindy, 2018). This variant completely abrogated DNA binding for homodimers and severely impaired DNA binding for heterodimers (Sepp, 2012). The p.R578H alteration is predicted to be deleterious by in silico analysis. Based on the available evidence, this alteration is classified as likely pathogenic.

PreventionGenetics, part of Exact Sciences
Classification: Pathogenic for TCF4-related condition. Last evaluated: 2022-09-08. Review status: criteria provided, single submitter. Criteria: ACMG Guidelines, 2015. Collection method: clinical testing. Allele origin: germline. Not counted in ClinVar's aggregate classification.
Comment: The TCF4 c.1733G>A variant is predicted to result in the amino acid substitution p.Arg578His. This variant was reported in an individual with Pitt-Hopkins syndrome, reported as de novo in multiple cases (Zweier et al. 2008. PubMed ID: 18728071; Patient 34, Chérot et al. 2017. PubMed ID: 28708303; Mary et al. 2018. PubMed ID: 29695756; Patient S0706, Table S2, Dong et al. 2020. PubMed ID: 32005694). This variant has not been reported in a large population database, indicating this variant is rare. This variant is interpreted as pathogenic.

Labcorp Genetics (formerly Invitae), Labcorp
Classification: Pathogenic for Pitt-Hopkins syndrome. Last evaluated: 2022-07-19. Review status: criteria provided, single submitter. Criteria: Invitae Variant Classification Sherloc (09022015). Collection method: clinical testing. Allele origin: germline. Not counted in ClinVar's aggregate classification.
Comment: For these reasons, this variant has been classified as Pathogenic. Experimental studies have shown that this missense change affects TCF4 function (PMID: 22460224). Algorithms developed to predict the effect of missense changes on protein structure and function are either unavailable or do not agree on the potential impact of this missense change (SIFT: "Deleterious"; PolyPhen-2: "Probably Damaging"; Align-GVGD: "Class C0"). ClinVar contains an entry for this variant (Variation ID: 93542). This missense change has been observed in individual(s) with Pitt-Hopkins syndrome (PMID: 18728071, 21671391, 29695756). In at least one individual the variant was observed to be de novo. This variant is not present in population databases (gnomAD no frequency). This sequence change replaces arginine, which is basic and polar, with histidine, which is basic and polar, at codon 578 of the TCF4 protein (p.Arg578His).

GeneDx
Classification: Pathogenic. Last evaluated: 2021-12-17. Review status: criteria provided, single submitter. Criteria: GeneDx Variant Classification Process June 2021. Collection method: clinical testing. Allele origin: germline. Affected: yes. Not counted in ClinVar's aggregate classification.
Comment: Published functional studies demonstrate that R578H causes a loss of DNA binding and transactivation activity, disrupting normal protein function (Sepp et al., 2012).; Not observed at significant frequency in large population cohorts (gnomAD); This variant is associated with the following publications: (PMID: 18728071, 21671391, 22460224, 26621827, 28708303, 29695756, 31105003, 29655203, 32581362, 32005694, 33726816)

Blueprint Genetics
Classification: Pathogenic for TCF4-related disorders. Last evaluated: 2018-07-13. Review status: criteria provided, single submitter. Criteria: ACMG Guidelines, 2015. Collection method: clinical testing. Allele origin: germline. Affected: yes. Observed: 1 variant allele. Not counted in ClinVar's aggregate classification.

Groupe Hospitalier Pitie Salpetriere, Uf Genomique Du Developpement, Assistance Publique Hopitaux de Paris Sorbonne Université
Classification: Pathogenic for Pitt-Hopkins syndrome. Last evaluated: 2017-01-06. Review status: criteria provided, single submitter. Criteria: ACMG Guidelines, 2015. Collection method: clinical testing. Allele origin: de novo. Affected: yes. Observed: 1 variant allele. Not counted in ClinVar's aggregate classification.
Comment: Intellectual disability, severe; obesity; behavioural disorder

Center for Human Genetics, Inc
Classification: Pathogenic for Pitt-Hopkins syndrome. Last evaluated: 2016-11-01. Review status: criteria provided, single submitter. Criteria: ACMG Guidelines, 2015. Collection method: clinical testing. Allele origin: germline. Affected: yes. Not counted in ClinVar's aggregate classification.

Eurofins Ntd Llc (ga)
Classification: Pathogenic. Last evaluated: 2013-04-02. Review status: criteria provided, single submitter. Criteria: EGL Classification Definitions 2015. Collection method: clinical testing. Allele origin: germline. Observed: 2 variant alleles, 2 heterozygotes. Not counted in ClinVar's aggregate classification.

Molecular Genetics Lab, CHRU Brest
Classification: Pathogenic for Corneal dystrophy, Fuchs endothelial, 3; Pitt-Hopkins syndrome. Review status: criteria provided, single submitter. Criteria: ACMG Guidelines, 2015. Collection method: clinical testing. Allele origin: de novo. Affected: yes. Not counted in ClinVar's aggregate classification.

NIHR Bioresource Rare Diseases, University of Cambridge
Classification: Pathogenic for Microcephaly. Review status: no assertion criteria provided. Collection method: research. Allele origin: unknown. Affected: yes. Observed: 1 variant allele. Not counted in ClinVar's aggregate classification.

Literature cited by the submitters: PubMed 18728071 (cited by 4 submitters); PubMed 21671391 (cited by 4 submitters); PubMed 22045651 (cited by Ambry Genetics); PubMed 22460224 (cited by 3 submitters); PubMed 29655203 (cited by Ambry Genetics); PubMed 29695756 (cited by Ambry Genetics and Labcorp Genetics (formerly Invitae), Labcorp); PubMed 28708303 (cited by Groupe Hospitalier Pitie Salpetriere, Uf Genomique Du Developpement, Assistance Publique Hopitaux de Paris Sorbonne Université); PubMed 32581362 (cited by NIHR Bioresource Rare Diseases, University of Cambridge).